The following is an entry in ClinVar:

ClinVar aggregate classification (germline): Uncertain significance (1 of 4 stars; one submission).

Conditions:
Severe combined immunodeficiency due to DNA-PKcs deficiency. Also called: IMMUNODEFICIENCY 26 WITH NEUROLOGIC ABNORMALITIES; Immunodeficiency 26 with or without neurologic abnormalities. Identifiers: OMIM 615966, Orphanet 317425, MedGen C4014833, MONDO:0014423.

Allele frequency attached by ClinVar (database versions not stated): gnomAD exomes below 0.00001.
gnomAD v4.1: 1 of 1,532,114 alleles (0.000065%); highest among the groups gnomAD compares: East Asian, 0.0025%; no homozygotes.

Submission:

Labcorp Genetics (formerly Invitae), Labcorp
Classification: Uncertain significance for Severe combined immunodeficiency due to DNA-PKcs deficiency. Last evaluated: 2023-03-21. Review status: criteria provided, single submitter. Criteria: Invitae Variant Classification Sherloc (09022015). Collection method: clinical testing. Allele origin: germline.
Comment: This sequence change replaces alanine, which is neutral and non-polar, with valine, which is neutral and non-polar, at codon 21 of the PRKDC protein (p.Ala21Val). The frequency data for this variant in the population databases is considered unreliable, as metrics indicate poor data quality at this position in the gnomAD database. This variant has not been reported in the literature in individuals affected with PRKDC-related conditions. Experimental studies and prediction algorithms are not available or were not evaluated, and the functional significance of this variant is currently unknown. In summary, the available evidence is currently insufficient to determine the role of this variant in disease. Therefore, it has been classified as a Variant of Uncertain Significance.

NM_006904.7(PRKDC):c.62C>T (p.Ala21Val)

Genes: PRKDC (protein kinase, DNA-activated, catalytic subunit; minus strand), LOC129929030 (ATAC-STARR-seq lymphoblastoid silent region 19177; plus strand). Cytogenetic location: 8q11.21.
Variant type: single nucleotide variant.
Coding change: c.62C>T on transcript NM_006904.7 (MANE Select); coding-DNA position 62, C replaced by T.
Protein change: p.Ala21Val; replaces alanine 21 with valine.
Molecular consequence: missense variant.
Genome position (GRCh38, 1-based): chr8:47,960,065, G>A on the plus strand (C>T on the coding strand, the complement: PRKDC is on the minus strand). VCF-style: chr8-47960065-G-A. GRCh37 (hg19) VCF-style: chr8-48872625-G-A.
Other names: c.62C>T, p.Ala21Val (NM_001081640.2); short protein forms A21V.
Identifiers: ClinVar variation 2990892 (VCV002990892.3), dbSNP rs915427878, ClinGen allele CA176153842.
Genomic context (GRCh38, chr8:47,960,065, plus strand): 5'-TCCTGCCCCAGGCCGCGGATCAGTTGATGACCGGCCAGGGCAGCACCGCAGCGGTCCGCA[G>A]CGGACAAGGTCTCCTGCAGCCGCAGCAGGGAGCAACGCACACCGGCTCCGGAGCCCGCCA-3'
Protein context (NP_008835.5, residues 11-31): SLLRLQETLS[Ala21Val]ADRCGAALAG